The following is an entry in ClinVar:

NM_004855.5(PIGB):c.743G>A (p.Cys248Tyr)

Gene: PIGB (phosphatidylinositol glycan anchor biosynthesis class B; plus strand). Cytogenetic location: 15q21.3.
Variant type: single nucleotide variant.
Coding change: c.743G>A on transcript NM_004855.5 (MANE Select); coding-DNA position 743, G replaced by A.
Protein change: p.Cys248Tyr; replaces cysteine 248 with tyrosine.
Molecular consequence: missense variant.
Genome position (GRCh38, 1-based): chr15:55,333,956, G>A. VCF-style: chr15-55333956-G-A. GRCh37 (hg19) VCF-style: chr15-55626154-G-A.
Other names: short protein forms C248Y.
Identifiers: ClinVar variation 2013420 (VCV002013420.4), dbSNP rs2543100431, ClinGen allele CA392542496.

ClinVar aggregate classification (germline): Uncertain significance (1 of 4 stars; one submission).

gnomAD v4.1: 1 of 1,607,160 alleles (0.000062%); highest among the groups gnomAD compares: Non-Finnish European, 0.000085%; no homozygotes.

Submission:

Labcorp Genetics (formerly Invitae), Labcorp
Classification: Uncertain significance. Last evaluated: 2024-11-11. Review status: criteria provided, single submitter. Criteria: Invitae Variant Classification Sherloc (09022015). Collection method: clinical testing. Allele origin: germline.
Comment: This sequence change replaces cysteine, which is neutral and slightly polar, with tyrosine, which is neutral and polar, at codon 248 of the PIGB protein (p.Cys248Tyr). This variant is not present in population databases (gnomAD no frequency). This variant has not been reported in the literature in individuals affected with PIGB-related conditions. ClinVar contains an entry for this variant (Variation ID: 2013420). Invitae Evidence Modeling of protein sequence and biophysical properties (such as structural, functional, and spatial information, amino acid conservation, physicochemical variation, residue mobility, and thermodynamic stability) indicates that this missense variant is not expected to disrupt PIGB protein function with a negative predictive value of 80%. In summary, the available evidence is currently insufficient to determine the role of this variant in disease. Therefore, it has been classified as a Variant of Uncertain Significance.